The following is an entry in ClinVar:

ClinVar aggregate classification (germline): Conflicting classifications of pathogenicity. Review status: criteria provided, conflicting classifications (1 of 4 stars). 6 submissions from 6 submitters: Uncertain significance (1); Benign (4); Likely benign (1). Last evaluated 2026-05-11.

Conditions:
Thyroid dyshormonogenesis 6 (TDH6). Also called: HYPOTHYROIDISM, CONGENITAL, DUE TO DYSHORMONOGENESIS, 6; THYROID HORMONOGENESIS, GENETIC DEFECT IN, 6; Genetic transient congenital hypothyroidism. Identifiers: Orphanet 226316, Orphanet 95716, MedGen C1846632, MONDO:0011792, OMIM 607200.

Allele frequency attached by ClinVar (database versions not stated): 1000 Genomes Project 30x 0.00265; 1000 Genomes Project 0.00280; ExAC 0.00517; gnomAD exomes 0.00554 and 0.00808; ESP Exome Variant Server 0.00562; TOPMed 0.00569; gnomAD 0.00617.
gnomAD v4.1: 12,671 of 1,613,978 alleles (0.79%); highest among the groups gnomAD compares: Admixed American, 1%; 72 homozygotes.

Submissions (6):

Women's Health and Genetics/Laboratory Corporation of America, LabCorp
Classification: Benign. Last evaluated: 2026-05-11. Review status: criteria provided, single submitter. Criteria: LabCorp Variant Classification Summary - May 2015. Collection method: clinical testing. Allele origin: germline.

Labcorp Genetics (formerly Invitae), Labcorp
Classification: Benign. Last evaluated: 2026-02-02. Review status: criteria provided, single submitter. Criteria: Invitae Variant Classification Sherloc (09022015). Collection method: clinical testing. Allele origin: germline.

CeGaT Center for Human Genetics Tuebingen
Classification: Benign. Last evaluated: 2025-08-01. Review status: criteria provided, single submitter. Criteria: CeGaT Center For Human Genetics Tuebingen Variant Classification Criteria Version 2. Collection method: clinical testing. Allele origin: germline. Affected: yes. Observed: 5 variant alleles.
Comment: DUOX2: BP4, BP7, BS1, BS2

Blueprint Genetics
Classification: Likely benign. Last evaluated: 2024-11-26. Review status: criteria provided, single submitter. Criteria: ACMG Guidelines, 2015. Collection method: clinical testing. Allele origin: germline.

Mayo Clinic Laboratories, Mayo Clinic
Classification: Benign. Last evaluated: 2023-08-17. Review status: criteria provided, single submitter. Criteria: ACMG Guidelines, 2015. Collection method: clinical testing. Allele origin: germline. Observed: 3 variant alleles.
Comment: BS1, BP4, BP7

Illumina Laboratory Services, Illumina
Classification: Uncertain significance for Thyroid dyshormonogenesis 6. Last evaluated: 2017-05-27. Review status: criteria provided, single submitter. Criteria: ICSL Variant Classification Criteria 13 December 2019. Collection method: clinical testing. Allele origin: germline.
Comment: This variant was observed as part of a predisposition screen in an ostensibly healthy population. A literature search was performed for the gene, cDNA change, and amino acid change (where applicable). Publications were found based on this search. However, the evidence from the literature, in combination with allele frequency data from public databases where available, was not sufficient to rule this variant in or out of causing disease. Therefore, this variant is classified as a variant of unknown significance.

Literature cited by the submitters: PubMed 20187165 (cited by Illumina Laboratory Services, Illumina).

NM_001363711.2(DUOX2):c.3435C>T (p.His1145=)

Gene: DUOX2 (dual oxidase 2; minus strand). Cytogenetic location: 15q21.1.
Variant type: single nucleotide variant.
Coding change: c.3435C>T on transcript NM_001363711.2 (MANE Select); coding-DNA position 3435, C replaced by T.
Protein change: p.His1145=; no amino-acid change (histidine 1145 retained).
Molecular consequence: synonymous variant.
Genome position (GRCh38, 1-based): chr15:45,099,463, G>A on the plus strand (C>T on the coding strand, the complement: DUOX2 is on the minus strand). VCF-style: chr15-45099463-G-A. GRCh37 (hg19) VCF-style: chr15-45391661-G-A.
Other names: p.His1145=; c.3435C>T, p.His1145= (NM_014080.5).
Identifiers: ClinVar variation 775355 (VCV000775355.41), dbSNP rs150893514, ClinGen allele CA7537869.